The following is an entry in ClinVar:

ClinVar aggregate classification (germline): Likely benign. Review status: criteria provided, multiple submitters, no conflicts (2 of 4 stars). 4 submissions from 4 submitters: Likely benign (4). Last evaluated 2026-03-26.

Conditions:
USH1C-related disorder. Also called: USH1C-related condition.

Allele frequency attached by ClinVar (database versions not stated): TOPMed 0.00010; gnomAD 0.00011 and 0.00016; ESP Exome Variant Server 0.00015; gnomAD exomes 0.00017 and 0.00018; ExAC 0.00019.
gnomAD v4.1: 288 of 1,614,188 alleles (0.018%); highest among the groups gnomAD compares: Middle Eastern, 0.18%; no homozygotes.

Submissions (4):

PreventionGenetics, part of Exact Sciences
Classification: Likely benign for USH1C-related condition. Last evaluated: 2026-03-26. Review status: criteria provided, single submitter. Criteria: ACMG Guidelines, 2015. Collection method: clinical testing. Allele origin: germline.
Comment: This variant is classified as likely benign based on ACMG/AMP sequence variant interpretation guidelines (Richards et al. 2015 PMID: 25741868, with internal and published modifications).

Labcorp Genetics (formerly Invitae), Labcorp
Classification: Likely benign. Last evaluated: 2026-01-28. Review status: criteria provided, single submitter. Criteria: Invitae Variant Classification Sherloc (09022015). Collection method: clinical testing. Allele origin: germline.

Blueprint Genetics
Classification: Likely benign. Last evaluated: 2024-09-30. Review status: criteria provided, single submitter. Criteria: ACMG Guidelines, 2015. Collection method: clinical testing. Allele origin: germline.

Laboratory for Molecular Medicine, Mass General Brigham Personalized Medicine
Classification: Likely benign. Last evaluated: 2012-04-30. Review status: criteria provided, single submitter. Criteria: LMM Criteria. Collection method: clinical testing. Allele origin: germline. Observed: 2 variant alleles.
Comment: Asp846Asp in Exon 25 of USH1C: This variant is not expected to have clinical sig nificance because it does not alter an amino acid residue, is not located within the splice consensus sequence, and has been identified in 1/3738 African Americ an chromosomes from a broad population by the NHLBI Exome Sequencing Project (dbSNP rs143860238).

NM_153676.4(USH1C):c.2538C>T (p.Asp846=)

Gene: USH1C (USH1 protein network component harmonin; minus strand). Cytogenetic location: 11p15.1.
Variant type: single nucleotide variant.
Coding change: c.2538C>T on transcript NM_153676.4 (MANE Select); coding-DNA position 2538, C replaced by T.
Protein change: p.Asp846=; no amino-acid change (aspartic acid 846 retained).
Molecular consequence: synonymous variant. On other transcripts: non-coding transcript variant (1).
Genome position (GRCh38, 1-based): chr11:17,496,766, G>A on the plus strand (C>T on the coding strand, the complement: USH1C is on the minus strand). VCF-style: chr11-17496766-G-A. GRCh37 (hg19) VCF-style: chr11-17518313-G-A.
Other names: c.1581C>T, p.Asp527= (NM_001297764.2); c.1638C>T, p.Asp546= (NM_005709.4).
Identifiers: ClinVar variation 178561 (VCV000178561.17), dbSNP rs143860238, ClinGen allele CA182559.